The following is an entry in ClinVar:

NM_032790.4(ORAI1):c.564_565delinsTC (p.Ala189Pro)

Gene: ORAI1 (ORAI calcium release-activated calcium modulator 1; plus strand). Cytogenetic location: 12q24.31.
Variant type: Indel.
Coding change: c.564_565delinsTC on transcript NM_032790.4 (MANE Select); coding-DNA positions 564 to 565, AG replaced by TC.
Protein change: p.Ala189Pro; replaces alanine 189 with proline.
Molecular consequence: missense variant. On other transcripts: non-coding transcript variant (1).
Genome position (GRCh38, 1-based): chr12:121,641,301-121,641,302, AG replaced by TC. VCF-style: chr12-121641301-AG-TC. GRCh37 (hg19) VCF-style: chr12-122079207-AG-TC.
Other names: short protein forms A189P.
Identifiers: ClinVar variation 2939965 (VCV002939965.3), dbSNP rs2503543724, ClinGen allele CA2740097594.

ClinVar aggregate classification (germline): Uncertain significance (1 of 4 stars; one submission).

Conditions:
Combined immunodeficiency due to ORAI1 deficiency. Also called: IMMUNODEFICIENCY 9. Identifiers: Orphanet 169090, Orphanet 317428, MedGen C2748568, MONDO:0013007, OMIM 612782.
Myopathy, tubular aggregate, 2 (TAM2). Identifiers: MedGen C4014557, MONDO:0014383, OMIM 615883.

Submission:

Labcorp Genetics (formerly Invitae), Labcorp
Classification: Uncertain significance for Myopathy, tubular aggregate, 2; Combined immunodeficiency due to ORAI1 deficiency. Last evaluated: 2024-01-14. Review status: criteria provided, single submitter. Criteria: Invitae Variant Classification Sherloc (09022015). Collection method: clinical testing. Allele origin: germline.
Comment: This sequence change replaces alanine, which is neutral and non-polar, with proline, which is neutral and non-polar, at codon 189 of the ORAI1 protein (p.Ala189Pro). Information on the frequency of this variant in the gnomAD database is not available, as this variant may be reported differently in the database. This variant has not been reported in the literature in individuals affected with ORAI1-related conditions. Experimental studies and prediction algorithms are not available or were not evaluated, and the functional significance of this variant is currently unknown. In summary, the available evidence is currently insufficient to determine the role of this variant in disease. Therefore, it has been classified as a Variant of Uncertain Significance.